The following is an entry in ClinVar:

NC_000002.11:g.(?_15378572)_(15378830_?)del

Gene: NBAS (NBAS subunit of NRZ tethering complex; minus strand). Cytogenetic location: 2p24.3.
Variant type: Deletion.
Identifiers: ClinVar variation 3247552 (VCV003247552.1).

ClinVar aggregate classification (germline): Pathogenic (1 of 4 stars; one submission).

Submission:

Labcorp Genetics (formerly Invitae), Labcorp
Classification: Pathogenic. Last evaluated: 2023-02-20. Review status: criteria provided, single submitter. Criteria: Invitae Variant Classification Sherloc (09022015). Collection method: clinical testing. Allele origin: unknown.
Comment: For these reasons, this variant has been classified as Pathogenic. This variant is a gross deletion of the genomic region encompassing exon(s) 45 of the NBAS gene. This variant would be expected to be in-frame, preserving the integrity of the reading frame. This variant has not been reported in the literature in individuals affected with NBAS-related conditions. This variant disrupts a region of the NBAS protein in which other variant(s) (p.Arg1914His) have been determined to be pathogenic (PMID: 20577004, 24884844, 27789416, 28031453, 28115293, 28425089). This suggests that this is a clinically significant region of the protein, and that variants that disrupt it are likely to be disease-causing.

Literature cited by the submitters: PubMed 20577004; PubMed 24884844; PubMed 27789416; PubMed 28031453; PubMed 28115293; PubMed 28425089.